The following is an entry in ClinVar:

ClinVar aggregate classification (germline): Likely benign (0 of 4 stars; one submission).

Conditions:
ULK4-related disorder. Also called: ULK4-related condition.

Submission:

PreventionGenetics, part of Exact Sciences
Classification: Likely benign for ULK4-related condition. Last evaluated: 2020-10-19. Review status: no assertion criteria provided. Collection method: clinical testing. Allele origin: germline.
Comment: This variant is classified as likely benign based on ACMG/AMP sequence variant interpretation guidelines (Richards et al. 2015 PMID: 25741868, with internal and published modifications).

NM_017886.4(ULK4):c.896+5T>G

Gene: ULK4 (unc-51 like kinase 4; minus strand). Cytogenetic location: 3p22.1.
Variant type: single nucleotide variant.
Coding change: c.896+5T>G on transcript NM_017886.4 (MANE Select); 5 bases into the intron after coding-DNA position 896, T replaced by G.
Molecular consequence: intron variant.
Genome position (GRCh38, 1-based): chr3:41,912,802, A>C on the plus strand (T>G on the coding strand, the complement: ULK4 is on the minus strand). VCF-style: chr3-41912802-A-C. GRCh37 (hg19) VCF-style: chr3-41954294-A-C.
Other names: c.-11+5T>G (NM_001322501.2); c.896+5T>G (NM_001322500.2).
Identifiers: ClinVar variation 3052241 (VCV003052241.2), dbSNP rs2471212839, ClinGen allele CA2577560197.